The following is an entry in ClinVar:

ClinVar aggregate classification (germline): Benign/Likely benign. Review status: criteria provided, multiple submitters, no conflicts (2 of 4 stars). 3 submissions from 3 submitters: Benign (1); Likely benign (2). Last evaluated 2026-07-23.

Conditions:
Rhabdoid tumor predisposition syndrome 2 (RTPS2). Identifiers: Orphanet 231108, Orphanet 69077, MedGen C2750074, MONDO:0013224, OMIM 613325.
Hereditary cancer-predisposing syndrome. Also called: Hereditary Cancer Syndrome; Hereditary neoplastic syndrome; Neoplastic Syndromes, Hereditary; Tumor predisposition. Identifiers: Orphanet 140162, MedGen C0027672, MeSH D009386, MONDO:0015356.

Submissions (3):

Myriad Genetics, Inc.
Classification: Benign for Rhabdoid tumor predisposition syndrome 2. Last evaluated: 2026-07-23. Review status: criteria provided, single submitter. Criteria: Myriad Autosomal Dominant, Autosomal Recessive and X-Linked Classification Criteria (2023). Collection method: clinical testing. Allele origin: unknown.
Comment: This variant is considered benign. This variant is a silent/synonymous amino acid change and it is not expected to impact splicing.

Labcorp Genetics (formerly Invitae), Labcorp
Classification: Likely benign for Rhabdoid tumor predisposition syndrome 2. Last evaluated: 2025-05-15. Review status: criteria provided, single submitter. Criteria: Invitae Variant Classification Sherloc (09022015). Collection method: clinical testing. Allele origin: germline.

Ambry Genetics
Classification: Likely benign for Hereditary cancer-predisposing syndrome. Last evaluated: 2023-11-14. Review status: criteria provided, single submitter. Criteria: Ambry Variant Classification Scheme 2023. Collection method: clinical testing. Allele origin: germline.

NM_003072.5(SMARCA4):c.4497G>A (p.Glu1499=)

Gene: SMARCA4 (SWI/SNF related BAF chromatin remodeling complex subunit ATPase 4; plus strand). Cytogenetic location: 19p13.2.
Variant type: single nucleotide variant.
Coding change: c.4497G>A on transcript NM_003072.5 (MANE Select); coding-DNA position 4497, G replaced by A.
Protein change: p.Glu1499=; no amino-acid change (glutamic acid 1499 retained).
Molecular consequence: synonymous variant. On other transcripts: non-coding transcript variant (1).
Genome position (GRCh38, 1-based): chr19:11,058,327, G>A. VCF-style: chr19-11058327-G-A. GRCh37 (hg19) VCF-style: chr19-11169003-G-A.
Other names: c.4593G>A (NM_001128849.1); c.4497G>A, p.Glu1499= (NM_001128844.3); c.4407G>A, p.Glu1469= (NM_001128845.2); c.4404G>A, p.Glu1468= (NM_001128846.2); c.4398G>A, p.Glu1466= (NM_001128847.4, NM_001374457.1); c.4395G>A, p.Glu1465= (NM_001128848.2); c.4593G>A, p.Glu1531= (NM_001128849.3, NM_001387283.1).
Identifiers: ClinVar variation 1137537 (VCV001137537.11), dbSNP rs1264821826, ClinGen allele CA505494838.